The following is an entry in ClinVar:

ClinVar aggregate classification (germline): Uncertain significance. Review status: criteria provided, multiple submitters, no conflicts (2 of 4 stars). 3 submissions from 3 submitters: Uncertain significance (3). Last evaluated 2026-02-27.

Conditions:
PRX-related disorder. Also called: PRX-Related Disorders; PRX-related condition.
Charcot-Marie-Tooth disease type 4. Also called: Charcot-Marie-Tooth disease, type IV; Charcot-Marie-Tooth, Type 4. Identifiers: Orphanet 64749, MedGen C4082197, MONDO:0018995.

Allele frequency attached by ClinVar (database versions not stated): gnomAD exomes 0.00002 and 0.00009; ExAC 0.00013; gnomAD 0.00038 and 0.00042; TOPMed 0.00040; 1000 Genomes Project 30x 0.00047; ESP Exome Variant Server 0.00054; 1000 Genomes Project 0.00060.
gnomAD v4.1: 90 of 1,614,208 alleles (0.0056%); highest among the groups gnomAD compares: African/African-American, 0.11%; no homozygotes.

Submissions (3):

PreventionGenetics, part of Exact Sciences
Classification: Uncertain significance for PRX-related condition. Last evaluated: 2026-02-27. Review status: criteria provided, single submitter. Criteria: ACMG Guidelines, 2015. Collection method: clinical testing. Allele origin: germline.
Comment: The PRX c.1397C>T variant is predicted to result in the amino acid substitution p.Pro466Leu. To our knowledge, this variant has not been reported in the literature. This variant is reported in 0.13% of alleles in individuals of African descent in gnomAD. Although we suspect that this variant may be benign, at this time, the clinical significance of this variant is uncertain due to the absence of conclusive functional and genetic evidence.

Women's Health and Genetics/Laboratory Corporation of America, LabCorp
Classification: Uncertain significance. Last evaluated: 2025-12-01. Review status: criteria provided, single submitter. Criteria: LabCorp Variant Classification Summary - May 2015. Collection method: clinical testing. Allele origin: germline.
Comment: Variant summary: PRX c.1397C>T (p.Pro466Leu) results in a non-conservative amino acid change in the encoded protein sequence. Algorithms developed to predict the effect of missense changes on protein structure and function are either unavailable or do not agree on the potential impact of this missense change. The variant allele was found at a frequency of 8.8e-05 in 250784 control chromosomes. This frequency is not significantly higher than estimated for disease-causing variants in PRX, allowing no conclusion about variant significance. To our knowledge, no occurrence of c.1397C>T in individuals affected with PRX-related conditions and no experimental evidence demonstrating its impact on protein function have been reported. ClinVar contains an entry for this variant (Variation ID: 936331). Based on the evidence outlined above, the variant was classified as uncertain significance.

Labcorp Genetics (formerly Invitae), Labcorp
Classification: Uncertain significance for Charcot-Marie-Tooth disease type 4. Last evaluated: 2024-10-01. Review status: criteria provided, single submitter. Criteria: Invitae Variant Classification Sherloc (09022015). Collection method: clinical testing. Allele origin: germline.
Comment: This sequence change replaces proline, which is neutral and non-polar, with leucine, which is neutral and non-polar, at codon 466 of the PRX protein (p.Pro466Leu). This variant is present in population databases (rs144530674, gnomAD 0.1%). This variant has not been reported in the literature in individuals affected with PRX-related conditions. ClinVar contains an entry for this variant (Variation ID: 936331). An algorithm developed to predict the effect of missense changes on protein structure and function (PolyPhen-2) suggests that this variant is likely to be disruptive. In summary, the available evidence is currently insufficient to determine the role of this variant in disease. Therefore, it has been classified as a Variant of Uncertain Significance.

NM_181882.3(PRX):c.1397C>T (p.Pro466Leu)

Gene: PRX (periaxin; minus strand). Cytogenetic location: 19q13.2.
Variant type: single nucleotide variant.
Coding change: c.1397C>T on transcript NM_181882.3 (MANE Select); coding-DNA position 1397, C replaced by T.
Protein change: p.Pro466Leu; replaces proline 466 with leucine.
Molecular consequence: missense variant. On other transcripts: 3 prime UTR variant (1).
Genome position (GRCh38, 1-based): chr19:40,396,955, G>A on the plus strand (C>T on the coding strand, the complement: PRX is on the minus strand). VCF-style: chr19-40396955-G-A. GRCh37 (hg19) VCF-style: chr19-40902862-G-A.
Other names: c.*1602C>T (NM_020956.2); short protein forms P466L.
Identifiers: ClinVar variation 936331 (VCV000936331.9), dbSNP rs144530674, ClinGen allele CA9444271.